The following is an entry in ClinVar:

NM_001189.4(NKX3-2):c.520G>C (p.Val174Leu)

Gene: NKX3-2 (NK3 homeobox 2; minus strand). Cytogenetic location: 4p15.33.
Variant type: single nucleotide variant.
Coding change: c.520G>C on transcript NM_001189.4 (MANE Select); coding-DNA position 520, G replaced by C.
Protein change: p.Val174Leu; replaces valine 174 with leucine.
Molecular consequence: missense variant.
Genome position (GRCh38, 1-based): chr4:13,542,475, C>G on the plus strand (G>C on the coding strand, the complement: NKX3-2 is on the minus strand). VCF-style: chr4-13542475-C-G. GRCh37 (hg19) VCF-style: chr4-13544099-C-G.
Other names: c.520G>C (NM_001189.3); short protein forms V174L.
Identifiers: ClinVar variation 498600 (VCV000498600.17), dbSNP rs559539989, ClinGen allele CA2860363.

ClinVar aggregate classification (germline): Conflicting classifications of pathogenicity. Review status: criteria provided, conflicting classifications (1 of 4 stars). 4 submissions from 4 submitters: Uncertain significance (2); Likely benign (1). 1 of the submissions does not count toward it. Last evaluated 2025-12-20.

Conditions:
NKX3-2-related disorder. Also called: NKX3-2-related condition.
Inborn genetic diseases. Identifiers: MedGen C0950123, MeSH D030342.

Allele frequency attached by ClinVar (database versions not stated): ExAC 0.00037; 1000 Genomes Project 30x 0.00078; 1000 Genomes Project 0.00100; gnomAD 0.00108 and 0.00120; TOPMed 0.00134.
gnomAD v4.1: 335 of 1,596,318 alleles (0.021%); highest among the groups gnomAD compares: African/African-American, 0.38%; 2 homozygotes.

Submissions (4):

Labcorp Genetics (formerly Invitae), Labcorp
Classification: Likely benign. Last evaluated: 2025-12-20. Review status: criteria provided, single submitter. Criteria: Invitae Variant Classification Sherloc (09022015). Collection method: clinical testing. Allele origin: germline.

Ambry Genetics
Classification: Uncertain significance for Inborn genetic diseases. Last evaluated: 2025-02-20. Review status: criteria provided, single submitter. Criteria: Ambry Variant Classification Scheme 2023. Collection method: clinical testing. Allele origin: germline.

Eurofins Ntd Llc (ga)
Classification: Uncertain significance. Last evaluated: 2016-11-23. Review status: criteria provided, single submitter. Criteria: EGL Classification Definitions 2015. Collection method: clinical testing. Allele origin: germline. Observed: 1 variant allele, 1 heterozygote.

PreventionGenetics, part of Exact Sciences
Classification: Likely benign for NKX3-2-related condition. Last evaluated: 2022-07-06. Review status: no assertion criteria provided. Collection method: clinical testing. Allele origin: germline. Not counted in ClinVar's aggregate classification.
Comment: This variant is classified as likely benign based on ACMG/AMP sequence variant interpretation guidelines (Richards et al. 2015 PMID: 25741868, with internal and published modifications).